The following is an entry in ClinVar:

NM_017780.4(CHD7):c.3937T>C (p.Ser1313Pro)

Gene: CHD7 (chromodomain helicase DNA binding protein 7; plus strand). Cytogenetic location: 8q12.2.
Variant type: single nucleotide variant.
Coding change: c.3937T>C on transcript NM_017780.4 (MANE Select); coding-DNA position 3937, T replaced by C.
Protein change: p.Ser1313Pro; replaces serine 1313 with proline.
Molecular consequence: missense variant. On other transcripts: intron variant (1).
Genome position (GRCh38, 1-based): chr8:60,836,231, T>C. VCF-style: chr8-60836231-T-C. GRCh37 (hg19) VCF-style: chr8-61748790-T-C.
Other names: c.1717-25998T>C (NM_001316690.1); short protein forms S1313P.
Identifiers: ClinVar variation 2505566 (VCV002505566.1), dbSNP rs2487896744, ClinGen allele CA371316428.

ClinVar aggregate classification (germline): Likely pathogenic (1 of 4 stars; one submission).

Conditions:
CHARGE syndrome (CHARGE). Also called: Hittner Hirsch Kreh syndrome; CHARGE ASSOCIATION--COLOBOMA, HEART ANOMALY, CHOANAL ATRESIA, RETARDATION, GENITAL AND EAR ANOMALIES; Coloboma, heart anomaly, choanal atresia, retardation, genital and ear anomalies; CHARGE association; Hall-Hittner syndrome. Identifiers: Orphanet 138, MedGen C0265354, MONDO:0008965.

Submission:

Dr. med. U. Finckh, Human Genetics, Eurofins MVZ
Classification: Likely pathogenic for CHD7-related CHARGE syndrome. Review status: criteria provided, single submitter. Criteria: ACMG Guidelines, 2015. Collection method: clinical testing. Allele origin: de novo. Affected: yes.